The following is an entry in ClinVar:

ClinVar aggregate classification (germline): Uncertain significance (1 of 4 stars; one submission).

Conditions:
Hereditary cancer-predisposing syndrome. Also called: Hereditary neoplastic syndrome; Neoplastic Syndromes, Hereditary; Tumor predisposition; Hereditary Cancer Syndrome. Identifiers: Orphanet 140162, MedGen C0027672, MeSH D009386, MONDO:0015356.

Submission:

Ambry Genetics
Classification: Uncertain significance for Hereditary cancer-predisposing syndrome. Last evaluated: 2025-08-27. Review status: criteria provided, single submitter. Criteria: Ambry Variant Classification Scheme 2023. Collection method: clinical testing. Allele origin: germline.
Comment: The p.S546R variant (also known as c.1636A>C), located in coding exon 16 of the MUTYH gene, results from an A to C substitution at nucleotide position 1636. The serine at codon 546 is replaced by arginine, an amino acid with dissimilar properties. This amino acid position is conserved. In addition, this alteration is predicted to be tolerated by in silico analysis. Based on the available evidence, the clinical significance of this variant remains unclear.

NM_001048174.2(MUTYH):c.1552A>C (p.Ser518Arg)

Gene: MUTYH (mutY DNA glycosylase; minus strand). Cytogenetic location: 1p34.1.
Variant type: single nucleotide variant.
Coding change: c.1552A>C on transcript NM_001048174.2 (MANE Select); coding-DNA position 1552, A replaced by C.
Protein change: p.Ser518Arg; replaces serine 518 with arginine.
Molecular consequence: missense variant. On other transcripts: non-coding transcript variant (7).
Genome position (GRCh38, 1-based): chr1:45,329,320, T>G on the plus strand (A>C on the coding strand, the complement: MUTYH is on the minus strand). VCF-style: chr1-45329320-T-G. GRCh37 (hg19) VCF-style: chr1-45794992-T-G.
Other names: c.1552A>C, p.Ser518Arg (NM_001048171.2, NM_001048173.2, NM_001293195.2 and 6 more transcripts); c.1555A>C, p.Ser519Arg (NM_001048172.2, NM_001407071.1, NM_001407078.1 and 1 more transcripts); c.1636A>C, p.Ser546Arg (NM_001128425.2); c.1597A>C, p.Ser533Arg (NM_001293190.2); c.1585A>C, p.Ser529Arg (NM_001293191.2, NM_001407069.1, NM_001407077.1); c.1276A>C, p.Ser426Arg (NM_001293192.2, NM_001293196.2, NM_001407091.1); c.1207A>C, p.Ser403Arg (NM_001350650.2, NM_001350651.2, NM_001407082.1); c.1468A>C, p.Ser490Arg (NM_001407075.1); and 5 more; short protein forms S505R, S519R, S529R, S543R, S426R, S490R, S504R, S518R.
Identifiers: ClinVar variation 4113478 (VCV004113478.1).